The following is an entry in ClinVar:

NM_000179.3(MSH6):c.3526_3538del (p.Arg1176fs)

Gene: MSH6 (mutS homolog 6; plus strand). Cytogenetic location: 2p16.3.
Variant type: Deletion.
Coding change: c.3526_3538del on transcript NM_000179.3 (MANE Select); coding-DNA positions 3526 to 3538, 13 bases deleted (AGACTTGGTGCCT).
Protein change: p.Arg1176fs; shifts the reading frame from arginine 1176.
Molecular consequence: frameshift variant.
Genome position (GRCh38, 1-based): chr2:47,804,997-47,805,009, AGACTTGGTGCCT deleted; deleting any 13 consecutive bases within chr2:47,804,995-47,805,009 gives the same sequence; the c. name uses the placement nearest the transcript's 3' end. VCF-style (leftmost placement, unchanged base first): chr2-47804994-ACTAGACTTGGTGC-A. GRCh37 (hg19) VCF-style: chr2-48032133-ACTAGACTTGGTGC-A.
Other names: c.3136_3148del, p.Arg1046fs (NM_001281492.2); c.2620_2632del, p.Arg874fs (NM_001281493.2, NM_001281494.2); c.3622_3634delAGACTTGGTGCCT, p.Arg1208Glnfs (NM_001406795.1, NM_001406802.1); c.3526_3538delAGACTTGGTGCCT, p.Arg1176Glnfs (NM_001406796.1, NM_001406800.1, NM_001406808.1 and 1 more transcripts); c.3229_3241delAGACTTGGTGCCT, p.Arg1077Glnfs (NM_001406797.1, NM_001406801.1, NM_001406805.1 and 10 more transcripts); c.3352_3364delAGACTTGGTGCCT, p.Arg1118Glnfs (NM_001406798.1); c.3001_3013delAGACTTGGTGCCT, p.Arg1001Glnfs (NM_001406799.1, NM_001406806.1, NM_001406807.1); c.2662_2674delAGACTTGGTGCCT, p.Arg888Glnfs (NM_001406803.1); and 9 more; short protein forms R874fs, R1046fs, R1176fs.
Identifiers: ClinVar variation 1732303 (VCV001732303.2), dbSNP rs2530805264, ClinGen allele CA2580067189.

ClinVar aggregate classification (germline): Pathogenic (1 of 4 stars; one submission).

Conditions:
Hereditary cancer-predisposing syndrome. Also called: Neoplastic Syndromes, Hereditary; Tumor predisposition; Hereditary Cancer Syndrome; Hereditary neoplastic syndrome. Identifiers: Orphanet 140162, MedGen C0027672, MeSH D009386, MONDO:0015356.

Submission:

Ambry Genetics
Classification: Pathogenic for Hereditary cancer-predisposing syndrome. Last evaluated: 2018-12-15. Review status: criteria provided, single submitter. Criteria: Ambry Variant Classification Scheme 2023. Collection method: clinical testing. Allele origin: germline.
Comment: The c.3526_3538del13 pathogenic mutation, located in coding exon 6 of the MSH6 gene, results from a deletion of 13 nucleotides at nucleotide positions 3526 to 3538, causing a translational frameshift with a predicted alternate stop codon (p.R1176Qfs*4). This alteration is expected to result in loss of function by premature protein truncation or nonsense-mediated mRNA decay. As such, this alteration is interpreted as a disease-causing mutation.